The following is an entry in ClinVar:

ClinVar aggregate classification (germline): Benign/Likely benign. Review status: criteria provided, multiple submitters, no conflicts (2 of 4 stars). 5 submissions from 5 submitters: Benign (1); Likely benign (3). 1 of the submissions does not count toward it. Last evaluated 2025-03-11.

Conditions:
Hyperinsulinism-hyperammonemia syndrome (HHF6). Identifiers: Orphanet 35878, MedGen C1847555, MONDO:0011717, OMIM 606762.
GLUD1-related disorder. Also called: GLUD1-related condition.
Inborn genetic diseases. Identifiers: MedGen C0950123, MeSH D030342.

Allele frequency attached by ClinVar (database versions not stated): gnomAD exomes 0.00012; 1000 Genomes Project 30x 0.00016; ExAC 0.00017; gnomAD 0.00019; 1000 Genomes Project 0.00020; ESP Exome Variant Server 0.00054; TOPMed 0.00058.

Submissions (5):

Labcorp Genetics (formerly Invitae), Labcorp
Classification: Benign for Hyperinsulinism-hyperammonemia syndrome. Last evaluated: 2025-03-11. Review status: criteria provided, single submitter. Criteria: Invitae Variant Classification Sherloc (09022015). Collection method: clinical testing. Allele origin: germline.

Blueprint Genetics
Classification: Likely benign. Last evaluated: 2023-06-16. Review status: criteria provided, single submitter. Criteria: ACMG Guidelines, 2015. Collection method: clinical testing. Allele origin: germline.

Ambry Genetics
Classification: Likely benign for Inborn genetic diseases. Last evaluated: 2022-11-07. Review status: criteria provided, single submitter. Criteria: Ambry Variant Classification Scheme 2023. Collection method: clinical testing. Allele origin: germline.

GeneDx
Classification: Likely benign. Last evaluated: 2019-09-30. Review status: criteria provided, single submitter. Criteria: GeneDx Variant Classification Process June 2021. Collection method: clinical testing. Allele origin: germline. Affected: yes.

PreventionGenetics, part of Exact Sciences
Classification: Likely benign for GLUD1-related condition. Last evaluated: 2021-07-13. Review status: no assertion criteria provided. Collection method: clinical testing. Allele origin: germline. Not counted in ClinVar's aggregate classification.
Comment: This variant is classified as likely benign based on ACMG/AMP sequence variant interpretation guidelines (Richards et al. 2015 PMID: 25741868, with internal and published modifications).

NM_005271.5(GLUD1):c.771T>C (p.Gly257=)

Gene: GLUD1 (glutamate dehydrogenase 1; minus strand). Cytogenetic location: 10q23.2.
Variant type: single nucleotide variant.
Coding change: c.771T>C on transcript NM_005271.5 (MANE Select); coding-DNA position 771, T replaced by C.
Protein change: p.Gly257=; no amino-acid change (glycine 257 retained).
Molecular consequence: synonymous variant.
Genome position (GRCh38, 1-based): chr10:87,062,806, A>G on the plus strand (T>C on the coding strand, the complement: GLUD1 is on the minus strand). VCF-style: chr10-87062806-A-G. GRCh37 (hg19) VCF-style: chr10-88822563-A-G.
Other names: c.372T>C, p.Gly124= (NM_001318900.1); c.270T>C, p.Gly90= (NM_001318901.1, NM_001318902.1, NM_001318904.2 and 2 more transcripts); c.771T>C (NM_005271.4).
Identifiers: ClinVar variation 513945 (VCV000513945.11), dbSNP rs144831842, ClinGen allele CA5587577.